The following is an entry in ClinVar:

ClinVar aggregate classification (germline): Uncertain significance (1 of 4 stars; one submission).

Conditions:
Congenital neutropenia-myelofibrosis-nephromegaly syndrome. Also called: Severe congenital neutropenia 5, autosomal recessive. Identifiers: Orphanet 369852, MedGen C3809031, MONDO:0014118, OMIM 615285.

Allele frequency attached by ClinVar (database versions not stated): gnomAD exomes below 0.00001; ExAC 0.00001.
gnomAD v4.1: 2 of 1,614,128 alleles (0.00012%); highest among the groups gnomAD compares: South Asian, 0.0022%; no homozygotes.

Submission:

Labcorp Genetics (formerly Invitae), Labcorp
Classification: Uncertain significance for Congenital neutropenia-myelofibrosis-nephromegaly syndrome. Last evaluated: 2022-09-27. Review status: criteria provided, single submitter. Criteria: Invitae Variant Classification Sherloc (09022015). Collection method: clinical testing. Allele origin: germline.
Comment: This sequence change replaces valine, which is neutral and non-polar, with isoleucine, which is neutral and non-polar, at codon 328 of the VPS45 protein (p.Val328Ile). This variant is present in population databases (rs781924923, gnomAD 0.003%). This variant has not been reported in the literature in individuals affected with VPS45-related conditions. Algorithms developed to predict the effect of missense changes on protein structure and function (SIFT, PolyPhen-2, Align-GVGD) all suggest that this variant is likely to be disruptive. In summary, the available evidence is currently insufficient to determine the role of this variant in disease. Therefore, it has been classified as a Variant of Uncertain Significance.

NM_007259.5(VPS45):c.982G>A (p.Val328Ile)

Gene: VPS45 (vacuolar protein sorting 45 homolog; plus strand). Cytogenetic location: 1q21.2.
Variant type: single nucleotide variant.
Coding change: c.982G>A on transcript NM_007259.5 (MANE Select); coding-DNA position 982, G replaced by A.
Protein change: p.Val328Ile; replaces valine 328 with isoleucine.
Molecular consequence: missense variant. On other transcripts: non-coding transcript variant (1).
Genome position (GRCh38, 1-based): chr1:150,082,761, G>A. VCF-style: chr1-150082761-G-A. GRCh37 (hg19) VCF-style: chr1-150054845-G-A.
Other names: c.667G>A, p.Val223Ile (NM_001279353.2); c.874G>A, p.Val292Ile (NM_001279354.2); short protein forms V328I, V223I, V292I.
Identifiers: ClinVar variation 2061436 (VCV002061436.1), dbSNP rs781924923, ClinGen allele CA1073282.